The following is an entry in ClinVar:

ClinVar aggregate classification (germline): Uncertain significance (1 of 4 stars; one submission).

Conditions:
Marshall-Smith syndrome (MRSHSS). Identifiers: Orphanet 561, MedGen C0265211, MONDO:0011244, OMIM 602535.
Malan overgrowth syndrome (MALNS). Also called: MALAN SYNDROME; NFIX-Related Malan Syndrome; Sotos syndrome 2. Identifiers: Orphanet 420179, MedGen C3553660, MONDO:0013885, OMIM 614753.

Submission:

Labcorp Genetics (formerly Invitae), Labcorp
Classification: Uncertain significance for Malan overgrowth syndrome; Marshall-Smith syndrome. Last evaluated: 2025-11-15. Review status: criteria provided, single submitter. Criteria: Invitae Variant Classification Sherloc (09022015). Collection method: clinical testing. Allele origin: germline.
Comment: This sequence change replaces proline, which is neutral and non-polar, with serine, which is neutral and polar, at codon 446 of the NFIX protein (p.Pro446Ser). This variant is not present in population databases (gnomAD no frequency). This variant has not been reported in the literature in individuals affected with NFIX-related conditions. Experimental studies and prediction algorithms are not available or were not evaluated, and the functional significance of this variant is currently unknown. In summary, the available evidence is currently insufficient to determine the role of this variant in disease. Therefore, it has been classified as a Variant of Uncertain Significance.

NM_001365902.3(NFIX):c.1312C>T (p.Pro438Ser)

Gene: NFIX (nuclear factor I X; plus strand). Cytogenetic location: 19p13.13.
Variant type: single nucleotide variant.
Coding change: c.1312C>T on transcript NM_001365902.3 (MANE Select); coding-DNA position 1312, C replaced by T.
Protein change: p.Pro438Ser; replaces proline 438 with serine.
Molecular consequence: missense variant. On other transcripts: intron variant (6).
Genome position (GRCh38, 1-based): chr19:13,088,046, C>T. VCF-style: chr19-13088046-C-T. GRCh37 (hg19) VCF-style: chr19-13198860-C-T.
Other names: c.1336C>T, p.Pro446Ser (NM_001271043.2); c.1309C>T, p.Pro437Ser (NM_001365984.2); c.1288C>T, p.Pro430Ser (NM_001378404.1); c.1360C>T, p.Pro454Ser (NM_001378405.1); c.1165C>T, p.Pro389Ser (NM_001440616.1); c.1255-2253C>T (NM_002501.4); c.1132-2253C>T (NM_001365982.2); c.1231-2253C>T (NM_001271044.3); and 3 more; short protein forms P437S, P438S, P446S, P430S, P454S, P389S.
Identifiers: ClinVar variation 4786708 (VCV004786708.1).